The following is an entry in ClinVar:

NM_001330701.2(AGTPBP1):c.521G>A (p.Arg174His)

Gene: AGTPBP1 (ATP/GTP binding carboxypeptidase 1; minus strand). Cytogenetic location: 9q21.33.
Variant type: single nucleotide variant.
Coding change: c.521G>A on transcript NM_001330701.2 (MANE Select); coding-DNA position 521, G replaced by A.
Protein change: p.Arg174His; replaces arginine 174 with histidine.
Molecular consequence: missense variant.
Genome position (GRCh38, 1-based): chr9:85,672,597, C>T on the plus strand (G>A on the coding strand, the complement: AGTPBP1 is on the minus strand). VCF-style: chr9-85672597-C-T. GRCh37 (hg19) VCF-style: chr9-88287512-C-T.
Other names: c.677G>A, p.Arg226His (NM_001286715.1, NM_001286717.1); c.521G>A, p.Arg174His (NM_015239.3); c.521G>A (NM_015239.2); short protein forms R174H, R226H.
Identifiers: ClinVar variation 3602597 (VCV003602597.2).

ClinVar aggregate classification (germline): Uncertain significance. Review status: criteria provided, multiple submitters, no conflicts (2 of 4 stars). 2 submissions from 2 submitters: Uncertain significance (2). Last evaluated 2025-01-21.

Conditions:
Neurodegeneration, childhood-onset, with cerebellar atrophy. Identifiers: MedGen C4748934, MONDO:0032650, OMIM 618276.
Inborn genetic diseases. Identifiers: MedGen C0950123, MeSH D030342.

gnomAD v4.1: 15 of 1,613,456 alleles (0.00093%); highest among the groups gnomAD compares: East Asian, 0.0022%; no homozygotes.

Submissions (2):

Ambry Genetics
Classification: Uncertain significance for Inborn genetic diseases. Last evaluated: 2025-01-21. Review status: criteria provided, single submitter. Criteria: Ambry Variant Classification Scheme 2023. Collection method: clinical testing. Allele origin: germline.

Clinical Genomics Laboratory, Washington University in St. Louis
Classification: Uncertain significance for Neurodegeneration, childhood-onset, with cerebellar atrophy. Last evaluated: 2024-10-07. Review status: criteria provided, single submitter. Criteria: ACMG Guidelines, 2015. Collection method: clinical testing. Allele origin: germline.
Comment: The AGTPBP1 c.521G>A (p.Arg174His) variant, to our knowledge, has not been reported in the medical literature. The highest population minor allele frequency in the population database genome aggregation database (v.2.1.1) is 0.007% in the European non-Finnish population. Computational predictors suggest that the variant does not impact AGTPBP1 function. Due to limited information, and based on ACMG/AMP guidelines for variant interpretation (Richards S et al., PMID: 25741868), the clinical significance of this variant is uncertain at this time.